The following is an entry in ClinVar:

ClinVar aggregate classification (germline): Likely benign (1 of 4 stars; one submission).

Allele frequency attached by ClinVar (database versions not stated): gnomAD exomes below 0.00001.

Submission:

CeGaT Center for Human Genetics Tuebingen
Classification: Likely benign. Last evaluated: 2022-12-01. Review status: criteria provided, single submitter. Criteria: CeGaT Center For Human Genetics Tuebingen Variant Classification Criteria Version 2. Collection method: clinical testing. Allele origin: germline. Affected: yes. Observed: 1 variant allele.
Comment: SEMA6A: PM2:Supporting, BP4, BP7

NM_020796.5(SEMA6A):c.1692T>C (p.Gly564=)

Gene: SEMA6A (semaphorin 6A; minus strand). Cytogenetic location: 5q23.1.
Variant type: single nucleotide variant.
Coding change: c.1692T>C on transcript NM_020796.5 (MANE Select); coding-DNA position 1692, T replaced by C.
Protein change: p.Gly564=; no amino-acid change (glycine 564 retained).
Molecular consequence: synonymous variant.
Genome position (GRCh38, 1-based): chr5:116,475,561, A>G on the plus strand (T>C on the coding strand, the complement: SEMA6A is on the minus strand). VCF-style: chr5-116475561-A-G. GRCh37 (hg19) VCF-style: chr5-115811257-A-G.
Other names: c.1692T>C, p.Gly564= (NM_001300780.2).
Identifiers: ClinVar variation 2655652 (VCV002655652.24), dbSNP rs2532357379, ClinGen allele CA446027619.